The following is an entry in ClinVar:

NM_000059.4(BRCA2):c.6462T>G (p.Tyr2154Ter)

Gene: BRCA2 (BRCA2 DNA repair associated; plus strand). Cytogenetic location: 13q13.1.
Variant type: single nucleotide variant.
Coding change: c.6462T>G on transcript NM_000059.4 (MANE Select); coding-DNA position 6462, T replaced by G.
Protein change: p.Tyr2154Ter; replaces tyrosine 2154 with a stop codon.
Molecular consequence: nonsense.
Genome position (GRCh38, 1-based): chr13:32,340,817, T>G. VCF-style: chr13-32340817-T-G. GRCh37 (hg19) VCF-style: chr13-32914954-T-G.
Other names: short protein forms Y2154*.
Identifiers: ClinVar variation 52111 (VCV000052111.8), dbSNP rs80358883, ClinGen allele CA024081.

ClinVar aggregate classification (germline): Pathogenic. Review status: reviewed by expert panel (3 of 4 stars). 5 submissions from 5 submitters: Pathogenic (1). 4 of the submissions do not count toward it. Last evaluated 2016-09-08.

Conditions:
Hereditary breast ovarian cancer syndrome. Also called: Hereditary breast and ovarian cancer syndrome; Hereditary breast and ovarian cancer; Hereditary breast and ovarian cancer syndrome (HBOC); Breast and ovarian cancer; Hereditary breast and/or ovarian cancer syndrome; BRCA1- and BRCA2-Associated Hereditary Breast and Ovarian Cancer. Identifiers: Orphanet 145, MedGen C0677776, MeSH D061325, MONDO:0003582. Disease mechanism: loss of function.
Hereditary cancer-predisposing syndrome. Also called: Neoplastic Syndromes, Hereditary; Tumor predisposition; Hereditary neoplastic syndrome; Hereditary Cancer Syndrome. Identifiers: Orphanet 140162, MedGen C0027672, MeSH D009386, MONDO:0015356.
Breast-ovarian cancer, familial, susceptibility to, 2 (BROVCA2). Also called: BRCA2 Hereditary Breast and Ovarian Cancer. Identifiers: Orphanet 145, MedGen C2675520, MONDO:0012933, OMIM 612555. Disease mechanism: loss of function.

Submissions (5):

Evidence-based Network for the Interpretation of Germline Mutant Alleles (ENIGMA)
Classification: Pathogenic for Breast-ovarian cancer, familial, susceptibility to, 2. Last evaluated: 2016-09-08. Review status: reviewed by expert panel. Criteria: ENIGMA BRCA1/2 Classification Criteria (2015). Collection method: curation. Allele origin: germline.
Comment: Variant allele predicted to encode a truncated non-functional protein.

Women's Health and Genetics/Laboratory Corporation of America, LabCorp
Classification: Pathogenic for Hereditary breast ovarian cancer syndrome. Last evaluated: 2023-06-05. Review status: criteria provided, single submitter. Criteria: LabCorp Variant Classification Summary - May 2015. Collection method: clinical testing. Allele origin: germline. Not counted in ClinVar's aggregate classification.
Comment: Variant summary: BRCA2 c.6462T>G (p.Tyr2154X) results in a premature termination codon, predicted to cause a truncation of the encoded protein or absence of the protein due to nonsense mediated decay, which are commonly known mechanisms for disease. The variant was absent in 229184 control chromosomes (gnomAD, v2.1). c.6462T>G has been reported in the literature in individuals affected with breast cancer (e.g., Zheng_2018). To our knowledge, no experimental evidence demonstrating an impact on protein function has been reported. The following publication was ascertained in the context of this evaluation (PMID: 30130155). Two ClinVar submitters (evaluation after 2014) have reported the variant, and both submitters classified the variant as pathogenic. Based on the evidence outlined above, the variant was classified as pathogenic.

GeneDx
Classification: Pathogenic. Last evaluated: 2023-05-26. Review status: criteria provided, single submitter. Criteria: GeneDx Variant Classification Process June 2021. Collection method: clinical testing. Allele origin: germline. Affected: yes. Not counted in ClinVar's aggregate classification.
Comment: Nonsense variant predicted to result in protein truncation or nonsense mediated decay in a gene for which loss of function is a known mechanism of disease; Not observed at significant frequency in large population cohorts (gnomAD); Truncating variants in this gene are considered pathogenic by a well-established clinical consortium and/or database; Also known as 6690T>G; This variant is associated with the following publications: (PMID: 30130155, 31214711, 32377563)

Ambry Genetics
Classification: Pathogenic for Hereditary cancer-predisposing syndrome. Last evaluated: 2020-05-13. Review status: criteria provided, single submitter. Criteria: Ambry Variant Classification Scheme 2023. Collection method: clinical testing. Allele origin: germline. Not counted in ClinVar's aggregate classification.
Comment: The p.Y2154* pathogenic mutation (also known as c.6462T>G), located in coding exon 10 of the BRCA2 gene, results from a T to G substitution at nucleotide position 6462. This changes the amino acid from a tyrosine to a stop codon within coding exon 10. This alteration is expected to result in loss of function by premature protein truncation or nonsense-mediated mRNA decay. As such, this alteration is interpreted as a disease-causing mutation.

Breast Cancer Information Core (BIC) (BRCA2)
Classification: Pathogenic for Breast-ovarian cancer, familial 2. Last evaluated: 2003-12-23. Review status: no assertion criteria provided. Collection method: clinical testing. Allele origin: germline. Affected: yes. Observed: 1 variant allele. Not counted in ClinVar's aggregate classification.

Literature cited by the submitters: PubMed 30130155 (cited by Women's Health and Genetics/Laboratory Corporation of America, LabCorp).